The following is an entry in ClinVar:

NM_013275.6(ANKRD11):c.136G>A (p.Asp46Asn)

Genes: ANKRD11 (ankyrin repeat domain 11; minus strand), TRAPPC2L (trafficking protein particle complex subunit 2L; plus strand). Cytogenetic location: 16q24.3.
Variant type: single nucleotide variant.
Coding change: c.136G>A on transcript NM_013275.6 (MANE Select); coding-DNA position 136, G replaced by A.
Protein change: p.Asp46Asn; replaces aspartic acid 46 with asparagine.
Molecular consequence: missense variant. On other transcripts: non-coding transcript variant (1).
Genome position (GRCh38, 1-based): chr16:89,305,296, C>T on the plus strand (G>A on the coding strand, the complement: ANKRD11 is on the minus strand). VCF-style: chr16-89305296-C-T. GRCh37 (hg19) VCF-style: chr16-89371704-C-T.
Other names: c.136G>A, p.Asp46Asn (NM_001256182.2, NM_001256183.2); short protein forms D46N.
Identifiers: ClinVar variation 585399 (VCV000585399.44), dbSNP rs144947610, ClinGen allele CA8243218.

ClinVar aggregate classification (germline): Benign/Likely benign. Review status: criteria provided, multiple submitters, no conflicts (2 of 4 stars). 8 submissions from 8 submitters: Benign (3); Likely benign (4). 1 of the submissions does not count toward it. Last evaluated 2026-01-19.

Conditions:
Encephalopathy, progressive, early-onset, with episodic rhabdomyolysis. Identifiers: MedGen C5193033, MONDO:0032681, OMIM 618331.
Inborn genetic diseases. Identifiers: MedGen C0950123, MeSH D030342.
ANKRD11-related disorder. Also called: ANKRD11-related condition.
KBG syndrome (KBGS). Also called: ANKRD11-Related KBG Syndrome. Identifiers: Orphanet 2332, MedGen C0220687, MONDO:0007846, OMIM 148050.

Allele frequency attached by ClinVar (database versions not stated): gnomAD exomes 0.00006 and 0.00016; 1000 Genomes Project 30x 0.00016; ExAC 0.00018; 1000 Genomes Project 0.00020; gnomAD 0.00060 and 0.00064; ESP Exome Variant Server 0.00062; TOPMed 0.00067.
gnomAD v4.1: 183 of 1,613,996 alleles (0.011%); highest among the groups gnomAD compares: African/African-American, 0.2%; 3 homozygotes.

Submissions (8):

Labcorp Genetics (formerly Invitae), Labcorp
Classification: Likely benign for KBG syndrome. Last evaluated: 2026-01-19. Review status: criteria provided, single submitter. Criteria: Invitae Variant Classification Sherloc (09022015). Collection method: clinical testing. Allele origin: germline.

Ambry Genetics
Classification: Likely benign for Inborn genetic diseases. Last evaluated: 2022-08-17. Review status: criteria provided, single submitter. Criteria: Ambry Variant Classification Scheme 2023. Collection method: clinical testing. Allele origin: germline.

CeGaT Center for Human Genetics Tuebingen
Classification: Benign. Last evaluated: 2022-08-01. Review status: criteria provided, single submitter. Criteria: CeGaT Center For Human Genetics Tuebingen Variant Classification Criteria Version 2. Collection method: clinical testing. Allele origin: germline. Affected: yes. Observed: 1 variant allele.
Comment: ANKRD11: BS1, BS2

Genome-Nilou Lab
Classification: Benign for KBG syndrome. Last evaluated: 2021-12-05. Review status: criteria provided, single submitter. Criteria: ACMG Guidelines, 2015. Collection method: clinical testing. Allele origin: germline. Affected: no.

GeneDx
Classification: Benign. Last evaluated: 2020-10-19. Review status: criteria provided, single submitter. Criteria: GeneDx Variant Classification Process June 2021. Collection method: clinical testing. Allele origin: germline. Affected: yes.

Mendelics
Classification: Likely benign for Encephalopathy, progressive, early-onset, with episodic rhabdomyolysis. Last evaluated: 2019-05-28. Review status: criteria provided, single submitter. Criteria: Mendelics Assertion Criteria 2017. Collection method: clinical testing. Allele origin: unknown.

Athena Diagnostics
Classification: Likely benign. Last evaluated: 2018-01-25. Review status: criteria provided, single submitter. Criteria: Athena Diagnostics Criteria. Collection method: clinical testing. Allele origin: germline.

PreventionGenetics, part of Exact Sciences
Classification: Likely benign for ANKRD11-related condition. Last evaluated: 2021-08-24. Review status: no assertion criteria provided. Collection method: clinical testing. Allele origin: germline. Not counted in ClinVar's aggregate classification.
Comment: This variant is classified as likely benign based on ACMG/AMP sequence variant interpretation guidelines (Richards et al. 2015 PMID: 25741868, with internal and published modifications).